The following is an entry in ClinVar:

ClinVar aggregate classification (germline): Uncertain significance. Review status: criteria provided, multiple submitters, no conflicts (2 of 4 stars). 2 submissions from 2 submitters: Uncertain significance (2). Last evaluated 2024-09-04.

Conditions:
Primary familial hypertrophic cardiomyopathy (HCM). Identifiers: Orphanet 99739, MedGen C0949658, MeSH D024741, MONDO:0024573. Inheritance: Various modes of inheritance.

Allele frequency attached by ClinVar (database versions not stated): ExAC 0.00001; gnomAD 0.00001.
gnomAD v4.1: 2 of 1,613,986 alleles (0.00012%); highest among the groups gnomAD compares: Non-Finnish European, 0.00017%; no homozygotes.

Submissions (2):

Ambry Genetics
Classification: Uncertain significance. Last evaluated: 2024-09-04. Review status: criteria provided, single submitter. Criteria: Ambry Variant Classification Scheme 2023. Collection method: clinical testing. Allele origin: germline.
Comment: The p.Y132D variant (also known as c.394T>G), located in coding exon 4 of the ILK gene, results from a T to G substitution at nucleotide position 394. The tyrosine at codon 132 is replaced by aspartic acid, an amino acid with highly dissimilar properties. This amino acid position is conserved. In addition, the in silico prediction for this alteration is inconclusive. Since supporting evidence is limited at this time, the clinical significance of this alteration remains unclear.

Labcorp Genetics (formerly Invitae), Labcorp
Classification: Uncertain significance for Primary familial hypertrophic cardiomyopathy. Last evaluated: 2023-07-20. Review status: criteria provided, single submitter. Criteria: Invitae Variant Classification Sherloc (09022015). Collection method: clinical testing. Allele origin: germline.
Comment: This sequence change replaces tyrosine, which is neutral and polar, with aspartic acid, which is acidic and polar, at codon 132 of the ILK protein (p.Tyr132Asp). This variant is present in population databases (rs768791411, gnomAD 0.007%). This variant has not been reported in the literature in individuals affected with ILK-related conditions. ClinVar contains an entry for this variant (Variation ID: 1736434). An algorithm developed to predict the effect of missense changes on protein structure and function (PolyPhen-2) suggests that this variant is likely to be tolerated. In summary, the available evidence is currently insufficient to determine the role of this variant in disease. Therefore, it has been classified as a Variant of Uncertain Significance.

NM_004517.4(ILK):c.394T>G (p.Tyr132Asp)

Genes: TAF10 (TATA-box binding protein associated factor 10; minus strand), ILK (integrin linked kinase; plus strand). Cytogenetic location: 11p15.4.
Variant type: single nucleotide variant.
Coding change: c.394T>G on transcript NM_004517.4 (MANE Select); coding-DNA position 394, T replaced by G.
Protein change: p.Tyr132Asp; replaces tyrosine 132 with aspartic acid.
Molecular consequence: missense variant. On other transcripts: 5 prime UTR variant (1), 3 prime UTR variant (1), intron variant (1).
Genome position (GRCh38, 1-based): chr11:6,608,736, T>G. VCF-style: chr11-6608736-T-G. GRCh37 (hg19) VCF-style: chr11-6629966-T-G.
Other names: c.394T>G, p.Tyr132Asp (NM_001014794.3, NM_001014795.3); c.-9T>G (NM_001278442.2); c.*2186A>C (NM_006284.4); c.352-148T>G (NM_001278441.2); short protein forms Y132D.
Identifiers: ClinVar variation 1736434 (VCV001736434.6), dbSNP rs768791411, ClinGen allele CA5858035.